The following is an entry in ClinVar:

ClinVar aggregate classification (germline): Likely benign (1 of 4 stars; one submission).

Conditions:
CTNND1-related disorder. Also called: CTNND1-related condition.

gnomAD v4.1: 23 of 1,607,642 alleles (0.0014%); highest among the groups gnomAD compares: Non-Finnish European, 0.0019%; no homozygotes.

Submission:

PreventionGenetics, part of Exact Sciences
Classification: Likely benign for CTNND1-related condition. Last evaluated: 2026-05-26. Review status: criteria provided, single submitter. Criteria: ACMG Guidelines, 2015. Collection method: clinical testing. Allele origin: germline.
Comment: This variant is classified as likely benign based on ACMG/AMP sequence variant interpretation guidelines (Richards et al. 2015 PMID: 25741868, with internal and published modifications).

NM_001085458.2(CTNND1):c.855C>T (p.Asp285=)

Genes: CTNND1 (catenin delta 1; plus strand), TMX2-CTNND1 (TMX2-CTNND1 readthrough (NMD candidate); plus strand). Cytogenetic location: 11q12.1.
Variant type: single nucleotide variant.
Coding change: c.855C>T on transcript NM_001085458.2 (MANE Select); coding-DNA position 855, C replaced by T.
Protein change: p.Asp285=; no amino-acid change (aspartic acid 285 retained).
Molecular consequence: synonymous variant. On other transcripts: non-coding transcript variant (1).
Genome position (GRCh38, 1-based): chr11:57,796,891, C>T. VCF-style: chr11-57796891-C-T. GRCh37 (hg19) VCF-style: chr11-57564363-C-T.
Other names: c.855C>T, p.Asp285= (NM_001085459.2, NM_001085460.2, NM_001085461.2 and 3 more transcripts); c.552C>T, p.Asp184= (NM_001085463.2, NM_001085464.2, NM_001085465.2 and 5 more transcripts); c.693C>T, p.Asp231= (NM_001206883.2, NM_001206884.2, NM_001206886.2 and 4 more transcripts).
Identifiers: ClinVar variation 4985239 (VCV004985239.1).